The following is an entry in ClinVar:

NM_032043.3(BRIP1):c.371C>T (p.Thr124Ile)

Gene: BRIP1 (BRCA1 interacting DNA helicase 1; minus strand). Cytogenetic location: 17q23.2.
Variant type: single nucleotide variant.
Coding change: c.371C>T on transcript NM_032043.3 (MANE Select); coding-DNA position 371, C replaced by T.
Protein change: p.Thr124Ile; replaces threonine 124 with isoleucine.
Molecular consequence: missense variant.
Genome position (GRCh38, 1-based): chr17:61,857,066, G>A on the plus strand (C>T on the coding strand, the complement: BRIP1 is on the minus strand). VCF-style: chr17-61857066-G-A. GRCh37 (hg19) VCF-style: chr17-59934427-G-A.
Other names: short protein forms T124I.
Identifiers: ClinVar variation 4783584 (VCV004783584.1).

ClinVar aggregate classification (germline): Uncertain significance (1 of 4 stars; one submission).

Conditions:
Fanconi anemia complementation group J. Also called: BRIP1-Related Fanconi Anemia. Identifiers: Orphanet 84, MedGen C1836860, MONDO:0012187, OMIM 609054.
Familial cancer of breast. Also called: Hereditary breast cancer; hereditary breast carcinoma; BREAST CANCER, FAMILIAL. Identifiers: Orphanet 227535, MedGen C0346153, MONDO:0016419, OMIM 114480. Disease mechanism: loss of function.

Submission:

Labcorp Genetics (formerly Invitae), Labcorp
Classification: Uncertain significance for Familial cancer of breast; Fanconi anemia complementation group J. Last evaluated: 2025-05-17. Review status: criteria provided, single submitter. Criteria: Invitae Variant Classification Sherloc (09022015). Collection method: clinical testing. Allele origin: germline.
Comment: This sequence change replaces threonine, which is neutral and polar, with isoleucine, which is neutral and non-polar, at codon 124 of the BRIP1 protein (p.Thr124Ile). This variant is not present in population databases (gnomAD no frequency). This variant has not been reported in the literature in individuals affected with BRIP1-related conditions. Invitae Evidence Modeling of protein sequence and biophysical properties (such as structural, functional, and spatial information, amino acid conservation, physicochemical variation, residue mobility, and thermodynamic stability) indicates that this missense variant is not expected to disrupt BRIP1 protein function with a negative predictive value of 95%. In summary, the available evidence is currently insufficient to determine the role of this variant in disease. Therefore, it has been classified as a Variant of Uncertain Significance.